The following is an entry in ClinVar:

ClinVar aggregate classification (germline): Likely pathogenic (1 of 4 stars; one submission).

Conditions:
Autosomal recessive limb-girdle muscular dystrophy type 2J (LGMDR10). Also called: Limb-girdle muscular dystrophy, type 2J; MUSCULAR DYSTROPHY, LIMB-GIRDLE, AUTOSOMAL RECESSIVE 10. Identifiers: Orphanet 140922, MedGen C1837342, MONDO:0012127, OMIM 608807.
Dilated cardiomyopathy 1G (CMD1G). Identifiers: Orphanet 154, MedGen C1858763, MONDO:0011400, OMIM 604145.

Submission:

Labcorp Genetics (formerly Invitae), Labcorp
Classification: Likely pathogenic for Dilated cardiomyopathy 1G; Autosomal recessive limb-girdle muscular dystrophy type 2J. Last evaluated: 2024-08-04. Review status: criteria provided, single submitter. Criteria: Invitae Variant Classification Sherloc (09022015). Collection method: clinical testing. Allele origin: germline.
Comment: This sequence change creates a premature translational stop signal (p.Trp25719*) in the TTN gene. While this is not anticipated to result in nonsense mediated decay, it is expected to create a truncated TTN protein. This variant is not present in population databases (gnomAD no frequency). This variant has not been reported in the literature in individuals affected with TTN-related conditions. This variant is located in the A band of TTN (PMID: 25589632). Truncating variants in this region are significantly overrepresented in patients affected with dilated cardiomyopathy (PMID: 25589632). Truncating variants in this region have also been reported in individuals affected with autosomal recessive centronuclear myopathy (PMID: 23975875). In summary, the currently available evidence indicates that the variant is pathogenic, but additional data are needed to prove that conclusively. Therefore, this variant has been classified as Likely Pathogenic.

Literature cited by the submitters: PubMed 25589632; PubMed 23975875.

NM_001267550.2(TTN):c.77156G>A (p.Trp25719Ter)

Genes: TTN (titin; minus strand), TTN-AS1 (TTN antisense RNA 1; plus strand). Cytogenetic location: 2q31.2.
Variant type: single nucleotide variant.
Coding change: c.77156G>A on transcript NM_001267550.2 (MANE Select); coding-DNA position 77156, G replaced by A.
Protein change: p.Trp25719Ter; replaces tryptophan 25719 with a stop codon.
Molecular consequence: nonsense.
Genome position (GRCh38, 1-based): chr2:178,568,976, C>T on the plus strand (G>A on the coding strand, the complement: TTN is on the minus strand). VCF-style: chr2-178568976-C-T. GRCh37 (hg19) VCF-style: chr2-179433703-C-T.
Other names: c.72233G>A, p.Trp24078Ter (NM_001256850.1); c.49961G>A, p.Trp16654Ter (NM_003319.4); c.69452G>A, p.Trp23151Ter (NM_133378.4); c.50336G>A, p.Trp16779Ter (NM_133432.3); c.50537G>A, p.Trp16846Ter (NM_133437.4); short protein forms W16654*, W16779*, W16846*, W23151*, W24078*, W25719*.
Identifiers: ClinVar variation 3749985 (VCV003749985.2).